The following is an entry in ClinVar:

ClinVar aggregate classification (germline): Likely benign (1 of 4 stars; one submission).

Allele frequency attached by ClinVar (database versions not stated): 1000 Genomes Project 0.00265.

Submission:

CeGaT Center for Human Genetics Tuebingen
Classification: Likely benign. Last evaluated: 2022-12-01. Review status: criteria provided, single submitter. Criteria: CeGaT Center For Human Genetics Tuebingen Variant Classification Criteria Version 2. Collection method: clinical testing. Allele origin: germline. Affected: yes. Observed: 2 variant alleles.
Comment: HSFX4: BP4, BP7, BS2

NM_001351114.2(HSFX4):c.939C>T (p.Tyr313=)

Genes: EOLA2 (endothelium and lymphocyte associated ASCH domain 2; minus strand), HSFX4 (heat shock transcription factor family, X-linked member 4; plus strand). Cytogenetic location: Xq28.
Variant type: single nucleotide variant.
Coding change: c.939C>T on transcript NM_001351114.2 (MANE Select); coding-DNA position 939, C replaced by T.
Protein change: p.Tyr313=; no amino-acid change (tyrosine 313 retained).
Molecular consequence: synonymous variant.
Genome position (GRCh38, 1-based): chrX:149,931,042, C>T. VCF-style: chrX-149931042-C-T. GRCh37 (hg19) VCF-style: chrX-149099260-C-T.
Identifiers: ClinVar variation 2661624 (VCV002661624.24), dbSNP rs375322718, ClinGen allele CA337053076.